The following is an entry in ClinVar:

ClinVar aggregate classification (germline): Uncertain significance (1 of 4 stars; one submission).

Conditions:
Hereditary cancer-predisposing syndrome. Also called: Neoplastic Syndromes, Hereditary; Tumor predisposition; Hereditary Cancer Syndrome; Hereditary neoplastic syndrome. Identifiers: Orphanet 140162, MedGen C0027672, MeSH D009386, MONDO:0015356.

Submission:

Ambry Genetics
Classification: Uncertain significance for Hereditary cancer-predisposing syndrome. Last evaluated: 2026-04-02. Review status: criteria provided, single submitter. Criteria: Ambry Variant Classification Scheme 2023. Collection method: clinical testing. Allele origin: germline.
Comment: The p.I28T variant (also known as c.83T>C), located in coding exon 1 of the SMARCB1 gene, results from a T to C substitution at nucleotide position 83. The isoleucine at codon 28 is replaced by threonine, an amino acid with similar properties. This amino acid position is conserved. In addition, this alteration is predicted to be deleterious by in silico analysis. Based on the available evidence, the clinical significance of this variant remains unclear.

NM_003073.5(SMARCB1):c.83T>C (p.Ile28Thr)

Gene: SMARCB1 (SWI/SNF related BAF chromatin remodeling complex subunit B1; plus strand). Cytogenetic location: 22q11.23.
Variant type: single nucleotide variant.
Coding change: c.83T>C on transcript NM_003073.5 (MANE Select); coding-DNA position 83, T replaced by C.
Protein change: p.Ile28Thr; replaces isoleucine 28 with threonine.
Molecular consequence: missense variant.
Genome position (GRCh38, 1-based): chr22:23,787,252, T>C. VCF-style: chr22-23787252-T-C. GRCh37 (hg19) VCF-style: chr22-24129439-T-C.
Other names: c.83T>C, p.Ile28Thr (NM_001007468.3, NM_001317946.2, NM_001362877.2); short protein forms I28T.
Identifiers: ClinVar variation 4864822 (VCV004864822.1).